The following is an entry in ClinVar:

NM_001365951.3(KIF1B):c.5234T>G (p.Ile1745Ser)

Gene: KIF1B (kinesin family member 1B; plus strand). Cytogenetic location: 1p36.22.
Variant type: single nucleotide variant.
Coding change: c.5234T>G on transcript NM_001365951.3 (MANE Select); coding-DNA position 5234, T replaced by G.
Protein change: p.Ile1745Ser; replaces isoleucine 1745 with serine.
Molecular consequence: missense variant.
Genome position (GRCh38, 1-based): chr1:10,374,991, T>G. VCF-style: chr1-10374991-T-G. GRCh37 (hg19) VCF-style: chr1-10435049-T-G.
Other names: c.5234T>G, p.Ile1745Ser (NM_001365952.1); c.5096T>G, p.Ile1699Ser (NM_015074.3); short protein forms I1699S, I1745S.
Identifiers: ClinVar variation 3036200 (VCV003036200.3), dbSNP rs2521983213, ClinGen allele CA338330836.

ClinVar aggregate classification (germline): Uncertain significance. Review status: criteria provided, single submitter (1 of 4 stars). 2 submissions from 2 submitters: Uncertain significance (1). 1 of the submissions does not count toward it. Last evaluated 2025-03-19.

Conditions:
KIF1B-related disorder. Also called: KIF1B-related condition.

Submissions (2):

Ambry Genetics
Classification: Uncertain significance. Last evaluated: 2025-03-19. Review status: criteria provided, single submitter. Criteria: Ambry Variant Classification Scheme 2023. Collection method: clinical testing. Allele origin: germline.
Comment: The p.I1699S variant (also known as c.5096T>G), located in coding exon 44 of the KIF1B gene, results from a T to G substitution at nucleotide position 5096. The isoleucine at codon 1699 is replaced by serine, an amino acid with dissimilar properties. This amino acid position is conserved. In addition, this alteration is predicted to be deleterious by in silico analysis. Based on the available evidence, the clinical significance of this variant remains unclear.

PreventionGenetics, part of Exact Sciences
Classification: Uncertain significance for KIF1B-related condition. Last evaluated: 2024-01-12. Review status: no assertion criteria provided. Collection method: clinical testing. Allele origin: germline. Not counted in ClinVar's aggregate classification.
Comment: The KIF1B c.5096T>G variant is predicted to result in the amino acid substitution p.Ile1699Ser. To our knowledge, this variant has not been reported in the literature or in a large population database, indicating this variant is rare. This variant is not reported in the ClinVar database. At this time, the clinical significance of this variant is uncertain due to the absence of conclusive functional and genetic evidence.